The following is an entry in ClinVar:

NM_014233.4(UBTF):c.349A>T (p.Thr117Ser)

Genes: ATXN7L3-AS1 (ATXN7L3 antisense RNA 1; plus strand), UBTF (upstream binding transcription factor; minus strand). Cytogenetic location: 17q21.31.
Variant type: single nucleotide variant.
Coding change: c.349A>T on transcript NM_014233.4 (MANE Select); coding-DNA position 349, A replaced by T.
Protein change: p.Thr117Ser; replaces threonine 117 with serine.
Molecular consequence: missense variant. On other transcripts: non-coding transcript variant (1).
Genome position (GRCh38, 1-based): chr17:44,215,779, T>A on the plus strand (A>T on the coding strand, the complement: UBTF is on the minus strand). VCF-style: chr17-44215779-T-A. GRCh37 (hg19) VCF-style: chr17-42293147-T-A.
Other names: c.349A>T, p.Thr117Ser (NM_001076683.2, NM_001076684.3); short protein forms T117S.
Identifiers: ClinVar variation 3371201 (VCV003371201.1).

ClinVar aggregate classification (germline): Uncertain significance (1 of 4 stars; one submission).

Submission:

GeneDx
Classification: Uncertain significance. Last evaluated: 2024-03-20. Review status: criteria provided, single submitter. Criteria: GeneDx Variant Classification Process June 2021. Collection method: clinical testing. Allele origin: germline. Affected: yes.
Comment: Not observed at significant frequency in large population cohorts (gnomAD); In silico analysis supports that this missense variant has a deleterious effect on protein structure/function; Has not been previously published as pathogenic or benign to our knowledge